The following is an entry in ClinVar:

ClinVar aggregate classification (germline): Likely benign. Review status: criteria provided, multiple submitters, no conflicts (2 of 4 stars). 2 submissions from 2 submitters: Likely benign (2). Last evaluated 2025-02-11.

Conditions:
JAM3-related disorder. Also called: JAM3-related condition.

Allele frequency attached by ClinVar (database versions not stated): ESP Exome Variant Server 0.00015; 1000 Genomes Project 30x 0.00016.
gnomAD v4.1: 82 of 1,613,996 alleles (0.0051%); highest among the groups gnomAD compares: African/African-American, 0.081%; no homozygotes.

Submissions (2):

PreventionGenetics, part of Exact Sciences
Classification: Likely benign for JAM3-related condition. Last evaluated: 2025-02-11. Review status: criteria provided, single submitter. Criteria: ACMG Guidelines, 2015. Collection method: clinical testing. Allele origin: germline.
Comment: This variant is classified as likely benign based on ACMG/AMP sequence variant interpretation guidelines (Richards et al. 2015 PMID: 25741868, with internal and published modifications).

Labcorp Genetics (formerly Invitae), Labcorp
Classification: Likely benign. Last evaluated: 2023-09-25. Review status: criteria provided, single submitter. Criteria: Invitae Variant Classification Sherloc (09022015). Collection method: clinical testing. Allele origin: germline.

NM_032801.5(JAM3):c.891C>T (p.Asp297=)

Gene: JAM3 (junctional adhesion molecule 3; plus strand). Cytogenetic location: 11q25.
Variant type: single nucleotide variant.
Coding change: c.891C>T on transcript NM_032801.5 (MANE Select); coding-DNA position 891, C replaced by T.
Protein change: p.Asp297=; no amino-acid change (aspartic acid 297 retained).
Molecular consequence: synonymous variant.
Genome position (GRCh38, 1-based): chr11:134,148,812, C>T. VCF-style: chr11-134148812-C-T. GRCh37 (hg19) VCF-style: chr11-134018707-C-T.
Other names: c.738C>T, p.Asp246= (NM_001205329.2); c.891C>T (NM_032801.4).
Identifiers: ClinVar variation 1400612 (VCV001400612.9), dbSNP rs150992119, ClinGen allele CA6370254.